The following is an entry in ClinVar:

ClinVar aggregate classification (germline): Uncertain significance (1 of 4 stars; one submission).

Conditions:
Early Myoclonic Encephalopathy. Identifiers: MedGen C0270855.

Submission:

Labcorp Genetics (formerly Invitae), Labcorp
Classification: Uncertain significance for Early Myoclonic Encephalopathy. Last evaluated: 2022-03-09. Review status: criteria provided, single submitter. Criteria: Invitae Variant Classification Sherloc (09022015). Collection method: clinical testing. Allele origin: germline.
Comment: This sequence change falls in intron 6 of the JMJD1C gene. It does not directly change the encoded amino acid sequence of the JMJD1C protein. This variant is not present in population databases (gnomAD no frequency). This variant has not been reported in the literature in individuals affected with JMJD1C-related conditions. Algorithms developed to predict the effect of sequence changes on RNA splicing suggest that this variant may disrupt the consensus splice site. In summary, the available evidence is currently insufficient to determine the role of this variant in disease. Therefore, it has been classified as a Variant of Uncertain Significance.

NM_032776.3(JMJD1C):c.823-13T>A

Gene: JMJD1C (jumonji domain containing 1C; minus strand). Cytogenetic location: 10q21.3.
Variant type: single nucleotide variant.
Coding change: c.823-13T>A on transcript NM_032776.3 (MANE Select); 13 bases into the intron before coding-DNA position 823, T replaced by A.
Molecular consequence: intron variant.
Genome position (GRCh38, 1-based): chr10:63,215,468, A>T on the plus strand (T>A on the coding strand, the complement: JMJD1C is on the minus strand). VCF-style: chr10-63215468-A-T. GRCh37 (hg19) VCF-style: chr10-64975228-A-T.
Other names: c.166-13T>A (NM_001322258.2, NM_001322254.2); c.277-13T>A (NM_001318154.2, NM_001282948.2); c.709-13T>A (NM_001322252.2); c.-42-13T>A (NM_001318153.2).
Identifiers: ClinVar variation 2107961 (VCV002107961.4), dbSNP rs2492799786, ClinGen allele CA2580081701.